The following is an entry in ClinVar:

ClinVar aggregate classification (germline): Uncertain significance. Review status: criteria provided, single submitter (1 of 4 stars). 2 submissions from 2 submitters: Uncertain significance (1). 1 of the submissions does not count toward it. Last evaluated 2026-01-05.

Conditions:
Prostate cancer, hereditary, 1 (HPC1). Identifiers: Orphanet 1331, MedGen C4722327, MONDO:0011098, OMIM 601518.

Submissions (2):

Labcorp Genetics (formerly Invitae), Labcorp
Classification: Uncertain significance. Last evaluated: 2026-01-05. Review status: criteria provided, single submitter. Criteria: Invitae Variant Classification Sherloc (09022015). Collection method: clinical testing. Allele origin: germline.
Comment: This sequence change replaces lysine, which is basic and polar, with asparagine, which is neutral and polar, at codon 13 of the HOXB13 protein (p.Lys13Asn). This variant is not present in population databases (gnomAD no frequency). This variant has not been reported in the literature in individuals affected with HOXB13-related conditions. ClinVar contains an entry for this variant (Variation ID: 690744). An algorithm developed to predict the effect of missense changes on protein structure and function (PolyPhen-2) suggests that this variant is likely to be disruptive. In summary, the available evidence is currently insufficient to determine the role of this variant in disease. Therefore, it has been classified as a Variant of Uncertain Significance.

Laboratory of Virology, Microbiology,  Quality and Medical Biotechnologies, Faculty of Sciences and Techniques - Mohammedia, Hassan II University of Casablanca
Classification: Uncertain significance for Prostate cancer, hereditary, 1. Review status: no assertion criteria provided. Collection method: clinical testing. Allele origin: somatic. Affected: yes. Not counted in ClinVar's aggregate classification.

NM_006361.6(HOXB13):c.39G>C (p.Lys13Asn)

Gene: HOXB13 (homeobox B13; minus strand). Cytogenetic location: 17q21.32.
Variant type: single nucleotide variant.
Coding change: c.39G>C on transcript NM_006361.6 (MANE Select); coding-DNA position 39, G replaced by C.
Protein change: p.Lys13Asn; replaces lysine 13 with asparagine.
Molecular consequence: missense variant.
Genome position (GRCh38, 1-based): chr17:48,728,555, C>G on the plus strand (G>C on the coding strand, the complement: HOXB13 is on the minus strand). VCF-style: chr17-48728555-C-G. GRCh37 (hg19) VCF-style: chr17-46805917-C-G.
Other names: short protein forms K13N.
Identifiers: ClinVar variation 690744 (VCV000690744.3), dbSNP rs1555558715, ClinGen allele CA400109820.